The following is an entry in ClinVar:

NM_198904.4(GABRG2):c.98T>A (p.Leu33His)

Gene: GABRG2 (gamma-aminobutyric acid type A receptor subunit gamma2; plus strand). Cytogenetic location: 5q34.
Variant type: single nucleotide variant.
Coding change: c.98T>A on transcript NM_198904.4 (MANE Select); coding-DNA position 98, T replaced by A.
Protein change: p.Leu33His; replaces leucine 33 with histidine.
Molecular consequence: missense variant. On other transcripts: 5 prime UTR variant (3), intron variant (1).
Genome position (GRCh38, 1-based): chr5:162,068,097, T>A. VCF-style: chr5-162068097-T-A. GRCh37 (hg19) VCF-style: chr5-161495103-T-A.
Other names: c.98T>A, p.Leu33His (NM_000816.3, NM_001375339.1, NM_001375340.1 and 5 more transcripts); c.32T>A, p.Leu11His (NM_001375345.1, NM_001375346.1); c.-261T>A (NM_001375348.1, NM_001375350.1); c.-309T>A (NM_001375349.1); c.20+456T>A (NM_001375347.1); short protein forms L11H, L33H.
Identifiers: ClinVar variation 4789496 (VCV004789496.1).

ClinVar aggregate classification (germline): Uncertain significance (1 of 4 stars; one submission).

Conditions:
Febrile seizures, familial, 8 (FEB8). Also called: CONVULSIONS, FAMILIAL FEBRILE, 8. Identifiers: Orphanet 36387, MedGen C1969810, MONDO:0011891, OMIM 607681.
EPILEPSY, CHILDHOOD ABSENCE, SUSCEPTIBILITY TO, 2 (ECA2). Identifiers: Orphanet 64280, MedGen C1843244, OMIM 607681.

Submission:

Labcorp Genetics (formerly Invitae), Labcorp
Classification: Uncertain significance for Febrile seizures, familial, 8; EPILEPSY, CHILDHOOD ABSENCE, SUSCEPTIBILITY TO, 2. Last evaluated: 2025-08-28. Review status: criteria provided, single submitter. Criteria: Invitae Variant Classification Sherloc (09022015). Collection method: clinical testing. Allele origin: germline.
Comment: This sequence change replaces leucine, which is neutral and non-polar, with histidine, which is basic and polar, at codon 33 of the GABRG2 protein (p.Leu33His). This variant is not present in population databases (gnomAD no frequency). This variant has not been reported in the literature in individuals affected with GABRG2-related conditions. Invitae Evidence Modeling of protein sequence and biophysical properties (such as structural, functional, and spatial information, amino acid conservation, physicochemical variation, residue mobility, and thermodynamic stability) has been performed for this missense variant. However, the output from this modeling did not meet the statistical confidence thresholds required to predict the impact of this variant on GABRG2 protein function. In summary, the available evidence is currently insufficient to determine the role of this variant in disease. Therefore, it has been classified as a Variant of Uncertain Significance.